The following is an entry in ClinVar:

ClinVar aggregate classification (germline): Uncertain significance (1 of 4 stars; one submission).

Conditions:
Inborn genetic diseases. Identifiers: MedGen C0950123, MeSH D030342.

Submission:

Ambry Genetics
Classification: Uncertain significance for Inborn genetic diseases. Last evaluated: 2025-11-01. Review status: criteria provided, single submitter. Criteria: Ambry Variant Classification Scheme 2023. Collection method: clinical testing. Allele origin: germline.
Comment: The p.P159S variant (also known as c.475C>T), located in coding exon 2 of the KDM1A gene, results from a C to T substitution at nucleotide position 475. The proline at codon 159 is replaced by serine, an amino acid with similar properties. This amino acid position is conserved. In addition, this alteration is predicted to be tolerated by in silico analysis. Based on the available evidence, the clinical significance of this variant remains unclear.

NM_001009999.3(KDM1A):c.475C>T (p.Pro159Ser)

Gene: KDM1A (lysine demethylase 1A; plus strand). Cytogenetic location: 1p36.12.
Variant type: single nucleotide variant.
Coding change: c.475C>T on transcript NM_001009999.3 (MANE Select); coding-DNA position 475, C replaced by T.
Protein change: p.Pro159Ser; replaces proline 159 with serine.
Molecular consequence: missense variant.
Genome position (GRCh38, 1-based): chr1:23,030,592, C>T. VCF-style: chr1-23030592-C-T. GRCh37 (hg19) VCF-style: chr1-23357085-C-T.
Other names: c.475C>T, p.Pro159Ser (NM_015013.4, NM_001363654.2, NM_001410762.1 and 1 more transcripts); short protein forms P159S.
Identifiers: ClinVar variation 4622693 (VCV004622693.1).
Genomic context (GRCh38, chr1:23,030,592, plus strand): 5'-GAAGAGAGAAATGCCAAAGCAGAGAAGGAAAAGAAGCTTCCCCCACCACCCCCTCAAGCC[C>T]CACCTGAGGAAGAAAATGAAAGTGAGCCTGAAGAACCATCGGGTGAGTTGTAGTATCCAA-3'
Protein context (NP_001009999.1, residues 149-169): KKLPPPPPQA[Pro159Ser]PEEENESEPE